The following is an entry in ClinVar:

ClinVar aggregate classification (germline): Conflicting classifications of pathogenicity. Review status: criteria provided, conflicting classifications (1 of 4 stars). 5 submissions from 5 submitters: Pathogenic (1); Uncertain significance (3). 1 of the submissions does not count toward it. Last evaluated 2026-08-05.

Conditions:
Autosomal dominant vitreoretinochoroidopathy. Also called: Autosomal Dominant Vitreoretinochoroidopathy (ADVIRC); VITREORETINOCHOROIDOPATHY, AUTOSOMAL DOMINANT, WITH NANOPHTHALMOS; VITREORETINOCHOROIDOPATHY WITH MICROCORNEA, GLAUCOMA, AND CATARACT. Identifiers: Orphanet 263347, Orphanet 3086, MedGen C3888099, MONDO:0008662, OMIM 193220.
Retinitis pigmentosa 50 (RP50). Also called: Retinitis pigmentosa, concentric. Identifiers: Orphanet 791, MedGen C2750789, MONDO:0013175, OMIM 613194.
Autosomal recessive bestrophinopathy. Also called: Autosomal Recessive Bestrophinopathy (ARB). Identifiers: Orphanet 139455, MedGen C3888198, MONDO:0012733, OMIM 611809.
Vitelliform macular dystrophy 2. Also called: Best Macular Dystrophy; Best Vitelliform Macular Dystrophy (BVMD); Best vitelliform macular dystrophy, multifocal; VITELLIFORM MACULAR DYSTROPHY, EARLY-ONSET; VITELLIFORM MACULAR DYSTROPHY, JUVENILE-ONSET; MACULAR DEGENERATION, POLYMORPHIC VITELLINE. Identifiers: Orphanet 1243, MedGen C2745945, MONDO:0007931, OMIM 153700.
Retinal dystrophy. Also called: Inherited retinal dystrophy. Identifiers: Orphanet 71862, MedGen C0854723, MeSH D058499, MONDO:0019118, HP:0000556.
BEST1-related disorder. Also called: BEST1-related condition; BEST1-related disorders. Identifiers: MedGen CN239200.

Allele frequency attached by ClinVar (database versions not stated): ExAC 0.00001; gnomAD 0.00001; gnomAD exomes 0.00001 and 0.00002; TOPMed 0.00002.
gnomAD v4.1: 20 of 1,613,730 alleles (0.0012%); highest among the groups gnomAD compares: Middle Eastern, 0.017%; no homozygotes.

Submissions (5):

PreventionGenetics, part of Exact Sciences
Classification: Uncertain significance for BEST1-related condition. Last evaluated: 2026-08-05. Review status: criteria provided, single submitter. Criteria: ACMG Guidelines, 2015. Collection method: clinical testing. Allele origin: germline.
Comment: The BEST1 c.56G>A variant is predicted to result in the amino acid substitution p.Arg19His. To our knowledge, this variant has not been reported in the literature. Alternate substitutions of this same amino acid residue have been reported in individuals with autosomal recessive bestrophinopathy (p.Arg19Cys, Tian et al. 2017. PubMed ID: 28687848) or autosomal dominant bestrophinopathy (p.Arg19Leu, Kinnick et al. 2011. PubMed ID: 21273940). This variant is present in 0.0058% of alleles in individuals of Latino descent in gnomAD. At this time, the clinical significance of this variant is uncertain due to the absence of conclusive functional and genetic evidence.

Victorian Clinical Genetics Services, Murdoch Childrens Research Institute
Classification: Uncertain significance for Autosomal dominant vitreoretinochoroidopathy. Last evaluated: 2024-10-08. Review status: criteria provided, single submitter. Criteria: ACMG Guidelines, 2015. Collection method: clinical testing. Allele origin: germline. Inheritance: Autosomal dominant inheritance. Affected: yes.
Comment: Based on the classification scheme VCGS_Germline_v1.3.4, this variant is classified as VUS-3B. Following criteria are met: 0103 - Dominant negative and loss of function are known mechanisms of disease in this gene. Dominant negative variants are associated with autosomal dominant disease (macular dystrophy, vitelliform, 2, MIM#153700; vitreoretinochoroidopathy, MIM#193220) while loss of function variants are associated with autosomal recessive disease (bestrophinopathy, autosomal recessive, MIM#611809; PMID: 29668979). (I) 0108 - This gene is associated with both recessive and dominant disease (OMIM). (I) 0112 - The condition associated with this gene has incomplete penetrance. Incomplete penetrance has been observed in individuals with dominant vitelliform macular dystrophy (PMID: 21273940). (I) 0200 - Variant is predicted to result in a missense amino acid change from arginine to histidine. (I) 0251 - This variant is heterozygous. (I) 0304 - Variant is present in gnomAD (v2) <0.01 (4 heterozygotes, 0 homozygotes). (SP) 0309 - Multiple alternative amino acid changes at the same position have been observed in gnomAD (v2) (highest allele count: 4 heterozygotes, 0 homozygotes). (I) 0503 - Missense variant consistently predicted to be tolerated by multiple in silico tools or not conserved in placental mammals with a minor amino acid change. (SB) 0600 - Variant is located in the annotated bestrophin domain (DECIPHER). (I) 0710 - Another missense variant comparable to the one identified in this case has inconclusive previous evidence for pathogenicity. p.(Arg19Leu) has been observed in an individual with vitelliform macular dystrophy, however the zygosity was unclear (PMID: 31254423). (SP) 0803 - This variant has limited previous evidence of pathogenicity in an unrelated individual. This variant has been classified as likely pathogenic by a clinical laboratory in ClinVar, observed in heterozygous individuals with retinitis pigmentosa and another with bestrophinopathy, neither of whom had a second variant found (Invitae, internal communication). (SP) 0905 - No published segregation evidence has been identified for this variant. (I) 1007 - No published functional evidence has been identified for this variant. (I) 1208 - Inheritance information for this variant is not currently available in this individual. (I) Legend: (SP) - Supporting pathogenic, (I) - Information, (SB) - Supporting benign

Labcorp Genetics (formerly Invitae), Labcorp
Classification: Pathogenic. Last evaluated: 2024-05-07. Review status: criteria provided, single submitter. Criteria: Invitae Variant Classification Sherloc (09022015). Collection method: clinical testing. Allele origin: germline.
Comment: This sequence change replaces arginine, which is basic and polar, with histidine, which is basic and polar, at codon 19 of the BEST1 protein (p.Arg19His). This variant is present in population databases (rs752923595, gnomAD 0.006%). This missense change has been observed in individual(s) with nonsyndromic macular dystrophy (Invitae). In at least one individual the variant was observed to be de novo. ClinVar contains an entry for this variant (Variation ID: 1487156). Advanced modeling of protein sequence and biophysical properties (such as structural, functional, and spatial information, amino acid conservation, physicochemical variation, residue mobility, and thermodynamic stability) performed at Invitae indicates that this missense variant is expected to disrupt BEST1 protein function with a positive predictive value of 95%. This variant disrupts the p.Arg19 amino acid residue in BEST1. Other variant(s) that disrupt this residue have been determined to be pathogenic (PMID: 28687848). This suggests that this residue is clinically significant, and that variants that disrupt this residue are likely to be disease-causing. For these reasons, this variant has been classified as Pathogenic.

Juno Genomics, Hangzhou Juno Genomics, Inc
Classification: Uncertain significance for Autosomal dominant vitreoretinochoroidopathy; Autosomal recessive bestrophinopathy; Vitelliform macular dystrophy 2; Retinitis pigmentosa 50. Review status: criteria provided, single submitter. Criteria: ACMG Guidelines, 2015. Collection method: clinical testing. Allele origin: germline. Affected: yes.
Comment: Absent from controls (or at extremely low frequency if recessive) in Genome Aggregation Database, Exome Sequencing Project, 1000 Genomes Project, or Exome Aggregation Consortium.;Multiple lines of computational evidence support a deleterious effect on the gene or gene product (conservation, evolutionary, splicing impact, etc).;Patient's phenotype or family history is highly specific for a disease with a single genetic etiology.

Institute of Human Genetics, Univ. Regensburg, Univ. Regensburg
Classification: Uncertain significance for Retinal dystrophy. Last evaluated: 2022-01-01. Review status: no assertion criteria provided. Criteria: ACMG Guidelines, 2015. Collection method: clinical testing. Allele origin: germline. Affected: yes. Not counted in ClinVar's aggregate classification.

Literature cited by the submitters: PubMed 21273940 (cited by Victorian Clinical Genetics Services, Murdoch Childrens Research Institute); PubMed 29668979 (cited by Victorian Clinical Genetics Services, Murdoch Childrens Research Institute); PubMed 31254423 (cited by Victorian Clinical Genetics Services, Murdoch Childrens Research Institute); PubMed 28687848 (cited by Labcorp Genetics (formerly Invitae), Labcorp).

NM_004183.4(BEST1):c.56G>A (p.Arg19His)

Gene: BEST1 (bestrophin 1; plus strand). Cytogenetic location: 11q12.3.
Variant type: single nucleotide variant.
Coding change: c.56G>A on transcript NM_004183.4 (MANE Select); coding-DNA position 56, G replaced by A.
Protein change: p.Arg19His; replaces arginine 19 with histidine.
Molecular consequence: missense variant. On other transcripts: non-coding transcript variant (1), intron variant (6).
Genome position (GRCh38, 1-based): chr11:61,951,862, G>A. VCF-style: chr11-61951862-G-A. GRCh37 (hg19) VCF-style: chr11-61719334-G-A.
Other names: c.56G>A, p.Arg19His (NM_001363592.2, NM_001440571.1, NM_001440572.1 and 1 more transcripts); c.-29+1435G>A (NM_001139443.3, NM_001300787.2, NM_001440574.1 and 3 more transcripts); c.56G>A (NM_004183.3); short protein forms R19H.
Identifiers: ClinVar variation 1487156 (VCV001487156.10), dbSNP rs752923595, ClinGen allele CA6040666.